The following is an entry in ClinVar:

ClinVar aggregate classification (germline): Uncertain significance (1 of 4 stars; one submission).

Conditions:
Inborn genetic diseases. Identifiers: MedGen C0950123, MeSH D030342.

Submission:

Ambry Genetics
Classification: Uncertain significance for Inborn genetic diseases. Last evaluated: 2026-05-24. Review status: criteria provided, single submitter. Criteria: Ambry Variant Classification Scheme 2023. Collection method: clinical testing. Allele origin: germline.
Comment: The p.N672S variant (also known as c.2015A>G), located in coding exon 19 of the ANKRD26 gene, results from an A to G substitution at nucleotide position 2015. The asparagine at codon 672 is replaced by serine, an amino acid with highly similar properties. This amino acid position is conserved. In addition, this alteration is predicted to be tolerated by in silico analysis. Based on the available evidence, the clinical significance of this variant remains unclear.

NM_014915.3(ANKRD26):c.2015A>G (p.Asn672Ser)

Gene: ANKRD26 (ankyrin repeat domain 26; minus strand). Cytogenetic location: 10p12.1.
Variant type: single nucleotide variant.
Coding change: c.2015A>G on transcript NM_014915.3 (MANE Select); coding-DNA position 2015, A replaced by G.
Protein change: p.Asn672Ser; replaces asparagine 672 with serine.
Molecular consequence: missense variant.
Genome position (GRCh38, 1-based): chr10:27,044,161, T>C on the plus strand (A>G on the coding strand, the complement: ANKRD26 is on the minus strand). VCF-style: chr10-27044161-T-C. GRCh37 (hg19) VCF-style: chr10-27333090-T-C.
Other names: c.2012A>G, p.Asn671Ser (NM_001256053.2); short protein forms N671S, N672S.
Identifiers: ClinVar variation 4859919 (VCV004859919.1).